The following is an entry in ClinVar:

ClinVar aggregate classification (germline): Uncertain significance. Review status: criteria provided, multiple submitters, no conflicts (2 of 4 stars). 2 submissions from 2 submitters: Uncertain significance (2). Last evaluated 2025-08-27.

Conditions:
Inborn genetic diseases. Identifiers: MedGen C0950123, MeSH D030342.

Allele frequency attached by ClinVar (database versions not stated): ExAC 0.00005; gnomAD exomes 0.00005; gnomAD 0.00006; TOPMed 0.00006; ESP Exome Variant Server 0.00008.
gnomAD v4.1: 191 of 1,613,726 alleles (0.012%); highest among the groups gnomAD compares: Non-Finnish European, 0.016%; no homozygotes.

Submissions (2):

Ambry Genetics
Classification: Uncertain significance for Inborn genetic diseases. Last evaluated: 2025-08-27. Review status: criteria provided, single submitter. Criteria: Ambry Variant Classification Scheme 2023. Collection method: clinical testing. Allele origin: germline.

Labcorp Genetics (formerly Invitae), Labcorp
Classification: Uncertain significance. Last evaluated: 2021-11-13. Review status: criteria provided, single submitter. Criteria: Invitae Variant Classification Sherloc (09022015). Collection method: clinical testing. Allele origin: germline.
Comment: This sequence change replaces glutamic acid, which is acidic and polar, with aspartic acid, which is acidic and polar, at codon 60 of the DNAAF4 protein (p.Glu60Asp). This variant is present in population databases (rs373804332, gnomAD 0.01%). This variant has not been reported in the literature in individuals affected with DNAAF4-related conditions. ClinVar contains an entry for this variant (Variation ID: 454960). Algorithms developed to predict the effect of missense changes on protein structure and function (SIFT, PolyPhen-2, Align-GVGD) all suggest that this variant is likely to be tolerated. In summary, the available evidence is currently insufficient to determine the role of this variant in disease. Therefore, it has been classified as a Variant of Uncertain Significance.

NM_130810.4(DNAAF4):c.180G>C (p.Glu60Asp)

Genes: DNAAF4 (dynein axonemal assembly factor 4; minus strand), DNAAF4-CCPG1 (DNAAF4-CCPG1 readthrough (NMD candidate); minus strand). Cytogenetic location: 15q21.3.
Variant type: single nucleotide variant.
Coding change: c.180G>C on transcript NM_130810.4 (MANE Select); coding-DNA position 180, G replaced by C.
Protein change: p.Glu60Asp; replaces glutamic acid 60 with aspartic acid.
Molecular consequence: missense variant. On other transcripts: non-coding transcript variant (1).
Genome position (GRCh38, 1-based): chr15:55,497,803, C>G on the plus strand (G>C on the coding strand, the complement: DNAAF4 is on the minus strand). VCF-style: chr15-55497803-C-G. GRCh37 (hg19) VCF-style: chr15-55790001-C-G.
Other names: c.180G>C, p.Glu60Asp (NM_001033559.3, NM_001033560.2); short protein forms E60D.
Identifiers: ClinVar variation 454960 (VCV000454960.7), dbSNP rs373804332, ClinGen allele CA7575111.
Genomic context (GRCh38, chr15:55,497,803, plus strand): 5'-CGCTTCTTTTTTATACAAGGTGAAGACAATGGTGTCATTCCCAATCTTTGCTTTGCTGCT[C>G]TCATCGTCTATGGGAGCATAAAGAAATGCCTCAAATAAAAATGGAGGAAAGTTGACCTAT-3'
Protein context (NP_570722.2, residues 50-70): EAFLYAPIDD[Glu60Asp]SSKAKIGNDT